The following is an entry in ClinVar:

ClinVar aggregate classification (germline): Likely benign (1 of 4 stars; one submission).

Conditions:
Colorectal cancer, susceptibility to, 12 (CRCS12). Also called: COLORECTAL CANCER, SUSCEPTIBILITY TO, ON CHROMOSOME 12q24. Identifiers: Orphanet 220460, MedGen C3554460, MONDO:0014038, OMIM 615083.

Submission:

Myriad Genetics, Inc.
Classification: Likely benign for Colorectal cancer, susceptibility to, 12. Last evaluated: 2025-02-07. Review status: criteria provided, single submitter. Criteria: Myriad Autosomal Dominant, Autosomal Recessive and X-Linked Classification Criteria (2023). Collection method: clinical testing. Allele origin: unknown.
Comment: This variant is considered likely benign. This variant is intronic and is not expected to impact mRNA splicing.

NM_006231.4(POLE):c.910-16T>C

Gene: POLE (DNA polymerase epsilon, catalytic subunit; minus strand). Cytogenetic location: 12q24.33.
Variant type: single nucleotide variant.
Coding change: c.910-16T>C on transcript NM_006231.4 (MANE Select); 16 bases into the intron before coding-DNA position 910, T replaced by C.
Molecular consequence: intron variant.
Genome position (GRCh38, 1-based): chr12:132,676,220, A>G on the plus strand (T>C on the coding strand, the complement: POLE is on the minus strand). VCF-style: chr12-132676220-A-G. GRCh37 (hg19) VCF-style: chr12-133252806-A-G.
Identifiers: ClinVar variation 3904214 (VCV003904214.1).